The following is an entry in ClinVar:

NM_004560.4(ROR2):c.2254del (p.Leu752fs)

Gene: ROR2 (receptor tyrosine kinase like orphan receptor 2; minus strand). Cytogenetic location: 9q22.31.
Variant type: Deletion.
Coding change: c.2254del on transcript NM_004560.4 (MANE Select); coding-DNA position 2254, one base deleted (C; older notation c.2254delC).
Protein change: p.Leu752fs; shifts the reading frame from leucine 752.
Molecular consequence: frameshift variant.
Genome position (GRCh38, 1-based): chr9:91,724,240, G deleted on the plus strand (C on the coding strand, the reverse complement: ROR2 is on the minus strand); the first of 2 consecutive G bases (chr9:91,724,240-91,724,241); deleting either gives the same sequence. VCF-style (leftmost placement, unchanged base first): chr9-91724239-AG-A. GRCh37 (hg19) VCF-style: chr9-94486521-AG-A.
Other names: short protein forms L752fs.
Identifiers: ClinVar variation 2627151 (VCV002627151.3), dbSNP rs2490109298, ClinGen allele CA2582341998.

ClinVar aggregate classification (germline): Conflicting classifications of pathogenicity. Review status: criteria provided, conflicting classifications (1 of 4 stars). 2 submissions from 2 submitters: Pathogenic (1); Uncertain significance (1). Last evaluated 2025-02-23.

Conditions:
Brachydactyly type B1 (BDB1). Identifiers: Orphanet 572385, Orphanet 93383, MedGen C1862112, MONDO:0007220, OMIM 113000.

Submissions (2):

Labcorp Genetics (formerly Invitae), Labcorp
Classification: Uncertain significance. Last evaluated: 2025-02-23. Review status: criteria provided, single submitter. Criteria: Invitae Variant Classification Sherloc (09022015). Collection method: clinical testing. Allele origin: germline.
Comment: This sequence change creates a premature translational stop signal (p.Leu752Phefs*22) in the ROR2 gene. While this is not anticipated to result in nonsense mediated decay, it is expected to disrupt the last 192 amino acid(s) of the ROR2 protein. This variant is not present in population databases (gnomAD no frequency). This variant has not been reported in the literature in individuals affected with ROR2-related conditions. ClinVar contains an entry for this variant (Variation ID: 2627151). In summary, the available evidence is currently insufficient to determine the role of this variant in disease. Therefore, it has been classified as a Variant of Uncertain Significance.

Women's Health and Genetics/Laboratory Corporation of America, LabCorp
Classification: Pathogenic for Brachydactyly type B1. Last evaluated: 2023-09-07. Review status: criteria provided, single submitter. Criteria: LabCorp Variant Classification Summary - May 2015. Collection method: clinical testing. Allele origin: germline.
Comment: Variant summary: ROR2 c.2254delC (p.Leu752PhefsX22) results in a premature termination codon, predicted to cause a truncation of the encoded protein, which is a commonly known mechanism for disease. At least one downstream variant (c.2265C>A; p.(Y755*), Variant ID in ClinVar: 7304) has been reported in individuals affected with Brachydactyly Type B1 and was found to segregate with disease within families (PMIDs: 10700182, 17101003) and was therefore determined to be pathogenic. The current variant was absent in 250718 control chromosomes. To our knowledge, no occurrence of c.2254delC in individuals affected with Brachydactyly Type B1 and no experimental evidence demonstrating its impact on protein function have been reported. No submitters have cited clinical-significance assessments for this variant to ClinVar after 2014. Based on the evidence outlined above, the variant was classified as pathogenic.